The following is an entry in ClinVar:

ClinVar aggregate classification (germline): Benign/Likely benign. Review status: criteria provided, multiple submitters, no conflicts (2 of 4 stars). 3 submissions from 3 submitters: Benign (1); Likely benign (1). 1 of the submissions does not count toward it. Last evaluated 2025-08-18.

Conditions:
PDGFRB-related disorder. Also called: PDGFRB-related condition.
Skeletal overgrowth-craniofacial dysmorphism-hyperelastic skin-white matter lesions syndrome. Also called: SKELETAL OVERGROWTH WITH FACIAL DYSMORPHISM, HYPERELASTIC SKIN, WHITE MATTER LESIONS, AND NEUROLOGIC DETERIORATION; Kosaki overgrowth syndrome. Identifiers: Orphanet 477831, MedGen C4225270, MONDO:0014704, OMIM 616592.
Acroosteolysis-keloid-like lesions-premature aging syndrome. Also called: Premature aging syndrome, Penttinen type; Prematurely aged appearance, delayed bone maturation, acro-osteolysis, and brachydactyly; Progeroid syndrome, Penttinen type. Identifiers: Orphanet 363665, MedGen C1866182, MONDO:0011150, OMIM 601812.
Infantile myofibromatosis (IMF). Also called: Congenital generalized fibromatosis. Identifiers: Orphanet 2591, MedGen C0432284, MONDO:0016824.
Basal ganglia calcification, idiopathic, 4 (PFBC4). Also called: PRIMARY FAMILIAL BRAIN CALCIFICATION 4, AUTOSOMAL DOMINANT; Familial Idiopathic Basal Ganglia Calcification 4. Identifiers: Orphanet 1980, MedGen C3554321, MONDO:0014004, OMIM 615007.

Allele frequency attached by ClinVar (database versions not stated): ESP Exome Variant Server 0.00008; gnomAD 0.00024 and 0.00035; TOPMed 0.00024; ExAC 0.00056; 1000 Genomes Project 0.00060; 1000 Genomes Project 30x 0.00047; gnomAD exomes 0.00061.
gnomAD v4.1: 726 of 1,591,560 alleles (0.046%); highest among the groups gnomAD compares: South Asian, 0.37%; 3 homozygotes.

Submissions (3):

Genomic Medicine Center of Excellence, King Faisal Specialist Hospital and Research Centre
Classification: Likely benign. Last evaluated: 2025-08-18. Review status: criteria provided, single submitter. Criteria: ACMG Guidelines, 2015. Collection method: clinical testing. Allele origin: germline.

Labcorp Genetics (formerly Invitae), Labcorp
Classification: Benign for Basal ganglia calcification, idiopathic, 4; Skeletal overgrowth-craniofacial dysmorphism-hyperelastic skin-white matter lesions syndrome; Infantile myofibromatosis; Acroosteolysis-keloid-like lesions-premature aging syndrome. Last evaluated: 2025-07-22. Review status: criteria provided, single submitter. Criteria: Invitae Variant Classification Sherloc (09022015). Collection method: clinical testing. Allele origin: germline.

PreventionGenetics, part of Exact Sciences
Classification: Likely benign for PDGFRB-related condition. Last evaluated: 2019-07-11. Review status: no assertion criteria provided. Collection method: clinical testing. Allele origin: germline. Not counted in ClinVar's aggregate classification.
Comment: This variant is classified as likely benign based on ACMG/AMP sequence variant interpretation guidelines (Richards et al. 2015 PMID: 25741868, with internal and published modifications).

NM_002609.4(PDGFRB):c.1223C>G (p.Ser408Cys)

Gene: PDGFRB (platelet derived growth factor receptor beta; minus strand). Cytogenetic location: 5q32.
Variant type: single nucleotide variant.
Coding change: c.1223C>G on transcript NM_002609.4 (MANE Select); coding-DNA position 1223, C replaced by G.
Protein change: p.Ser408Cys; replaces serine 408 with cysteine.
Molecular consequence: missense variant.
Genome position (GRCh38, 1-based): chr5:150,131,999, G>C on the plus strand (C>G on the coding strand, the complement: PDGFRB is on the minus strand). VCF-style: chr5-150131999-G-C. GRCh37 (hg19) VCF-style: chr5-149511562-G-C.
Other names: c.1031C>G, p.Ser344Cys (NM_001355016.2); c.740C>G, p.Ser247Cys (NM_001355017.2); short protein forms S247C, S344C, S408C.
Identifiers: ClinVar variation 707343 (VCV000707343.12), dbSNP rs200203294, ClinGen allele CA3508060.
Genomic context (GRCh38, chr5:150,131,999, plus strand): 5'-GGGGAAGGAGCAGGGACATGGCGAGGGGCGTGCTCATCACCATTGATCTGTAGCTGGAAG[G>C]AGAGCTGGACCTCAGCATCCTCATGGAAGGCCCGCATGGTGTAGTGGCCAGCCTCTGCCA-3'
Protein context (NP_002600.1, residues 398-418): AFHEDAEVQL[Ser408Cys]FQLQINVPVR